The following is an entry in ClinVar:

ClinVar aggregate classification (germline): Pathogenic (1 of 4 stars; one submission).

Conditions:
Methylcobalamin deficiency type cblE (HMAE). Also called: HOMOCYSTINURIA-MEGALOBLASTIC ANEMIA, cblE TYPE; VITAMIN B12-RESPONSIVE HOMOCYSTINURIA, cblE TYPE; HOMOCYSTINURIA-MEGALOBLASTIC ANEMIA, cblE COMPLEMENTATION TYPE. Identifiers: Orphanet 2169, Orphanet 622, MedGen C1856057, MONDO:0009354, OMIM 236270.

Submission:

Labcorp Genetics (formerly Invitae), Labcorp
Classification: Pathogenic for Methylcobalamin deficiency type cblE. Last evaluated: 2021-03-13. Review status: criteria provided, single submitter. Criteria: Invitae Variant Classification Sherloc (09022015). Collection method: clinical testing. Allele origin: germline.
Comment: For these reasons, this variant has been classified as Pathogenic. This variant has not been reported in the literature in individuals with MTRR-related conditions. This variant is not present in population databases (ExAC no frequency). This sequence change creates a premature translational stop signal (p.Arg114Aspfs*20) in the MTRR gene. It is expected to result in an absent or disrupted protein product. Loss-of-function variants in MTRR are known to be pathogenic (PMID: 15714522).

Literature cited by the submitters: PubMed 15714522.

NM_002454.3(MTRR):c.340del (p.Arg114fs)

Gene: MTRR (5-methyltetrahydrofolate-homocysteine methyltransferase reductase; plus strand). Cytogenetic location: 5p15.31.
Variant type: Deletion.
Coding change: c.340del on transcript NM_002454.3 (MANE Select); coding-DNA position 340, one base deleted (C; older notation c.340delC).
Protein change: p.Arg114fs; shifts the reading frame from arginine 114.
Molecular consequence: frameshift variant. On other transcripts: non-coding transcript variant (14).
Genome position (GRCh38, 1-based): chr5:7,875,314, C deleted. VCF-style (leftmost placement, unchanged base first): chr5-7875313-AC-A. GRCh37 (hg19) VCF-style: chr5-7875426-AC-A.
Other names: c.340del, p.Arg114fs (NM_001364440.2, NM_001364441.2, NM_001364442.2 and 1 more transcripts); short protein forms R114fs.
Identifiers: ClinVar variation 1442465 (VCV001442465.6), dbSNP rs2126675629, ClinGen allele CA2573139602.